The following is an entry in ClinVar:

NM_005120.3(MED12):c.5893C>T (p.Pro1965Ser)

Gene: MED12 (mediator complex subunit 12; plus strand). Cytogenetic location: Xq13.1.
Variant type: single nucleotide variant.
Coding change: c.5893C>T on transcript NM_005120.3 (MANE Select); coding-DNA position 5893, C replaced by T.
Protein change: p.Pro1965Ser; replaces proline 1965 with serine.
Molecular consequence: missense variant.
Genome position (GRCh38, 1-based): chrX:71,137,792, C>T. VCF-style: chrX-71137792-C-T. GRCh37 (hg19) VCF-style: chrX-70357642-C-T.
Other names: short protein forms P1965S.
Identifiers: ClinVar variation 1174803 (VCV001174803.14), dbSNP rs2092336419, ClinGen allele CA413539189.

ClinVar aggregate classification (germline): Uncertain significance. Review status: criteria provided, multiple submitters, no conflicts (2 of 4 stars). 7 submissions from 7 submitters: Uncertain significance (4). 3 of the submissions do not count toward it. Last evaluated 2026-07-27.

Conditions:
FG syndrome (FGS). Identifiers: MedGen C0220769, MONDO:0002010.
Familial thoracic aortic aneurysm and aortic dissection (TAAD). Also called: Thoracic aortic aneurysms and dissections. Identifiers: Orphanet 91387, MedGen C4707243, MONDO:0019625.

Allele frequency attached by ClinVar (database versions not stated): gnomAD exomes 0.00001; gnomAD 0.00002.
gnomAD v4.1: 8 of 1,208,839 alleles (0.00066%); highest among the groups gnomAD compares: African/African-American, 0.0018%; no homozygotes.

Submissions (7):

GeneDx
Classification: Uncertain significance. Last evaluated: 2026-07-27. Review status: criteria provided, single submitter. Criteria: GeneDx Variant Classification Process June 2021. Collection method: clinical testing. Allele origin: germline.
Comment: Not observed at significant frequency in large population cohorts (gnomAD); In silico analysis suggests that this missense variant does not alter protein structure/function; Has not been previously published as pathogenic or benign to our knowledge

Ambry Genetics
Classification: Uncertain significance for Familial thoracic aortic aneurysm and aortic dissection. Last evaluated: 2026-07-09. Review status: criteria provided, single submitter. Criteria: Ambry Variant Classification Scheme 2023. Collection method: clinical testing. Allele origin: germline.
Comment: The p.P1965S variant (also known as c.5893C>T), located in coding exon 41 of the MED12 gene, results from a C to T substitution at nucleotide position 5893. The proline at codon 1965 is replaced by serine, an amino acid with similar properties. This amino acid position is conserved. In addition, this alteration is predicted to be tolerated by in silico analysis. Based on the available evidence, the clinical significance of this variant remains unclear.

Labcorp Genetics (formerly Invitae), Labcorp
Classification: Uncertain significance for FG syndrome. Last evaluated: 2024-03-10. Review status: criteria provided, single submitter. Criteria: Invitae Variant Classification Sherloc (09022015). Collection method: clinical testing. Allele origin: germline.
Comment: This sequence change replaces proline, which is neutral and non-polar, with serine, which is neutral and polar, at codon 1965 of the MED12 protein (p.Pro1965Ser). This variant is not present in population databases (gnomAD no frequency). This variant has not been reported in the literature in individuals affected with MED12-related conditions. ClinVar contains an entry for this variant (Variation ID: 1174803). Advanced modeling of protein sequence and biophysical properties (such as structural, functional, and spatial information, amino acid conservation, physicochemical variation, residue mobility, and thermodynamic stability) performed at Invitae indicates that this missense variant is not expected to disrupt MED12 protein function with a negative predictive value of 95%. In summary, the available evidence is currently insufficient to determine the role of this variant in disease. Therefore, it has been classified as a Variant of Uncertain Significance.

Women's Health and Genetics/Laboratory Corporation of America, LabCorp
Classification: Uncertain significance. Last evaluated: 2023-11-28. Review status: criteria provided, single submitter. Criteria: LabCorp Variant Classification Summary - May 2015. Collection method: clinical testing. Allele origin: germline.
Comment: Variant summary: MED12 c.5893C>T (p.Pro1965Ser) results in a non-conservative amino acid change located in the Mediator complex, subunit Med12, catenin-binding (IPR021989) of the encoded protein sequence. Three of five in-silico tools predict a benign effect of the variant on protein function. The frequency data for this variant in gnomAD is considered unreliable, as metrics indicate poor data quality at this position. To our knowledge, no occurrence of c.5893C>T in individuals affected with MED12-Related Disorders and no experimental evidence demonstrating its impact on protein function have been reported. One submitter has cited clinical-significance assessments for this variant to ClinVar after 2014 and has classified the variant as uncertain significance. Based on the evidence outlined above, the variant was classified as uncertain significance.

Clinical Genetics DNA and cytogenetics Diagnostics Lab, Erasmus MC, Erasmus Medical Center
Classification: Uncertain significance. Review status: no assertion criteria provided. Collection method: clinical testing. Allele origin: germline. Affected: yes. Study: VKGL Data-share Consensus. Not counted in ClinVar's aggregate classification.

Diagnostic Laboratory, Department of Genetics, University Medical Center Groningen
Classification: Uncertain significance. Review status: no assertion criteria provided. Collection method: clinical testing. Allele origin: germline. Affected: yes. Study: VKGL Data-share Consensus. Not counted in ClinVar's aggregate classification.

Joint Genome Diagnostic Labs from Nijmegen and Maastricht, Radboudumc and MUMC+
Classification: Uncertain significance. Review status: no assertion criteria provided. Collection method: clinical testing. Allele origin: germline. Affected: yes. Study: VKGL Data-share Consensus. Not counted in ClinVar's aggregate classification.